The following is an entry in ClinVar:

ClinVar aggregate classification (germline): Uncertain significance (1 of 4 stars; one submission).

Conditions:
TP63-Related Spectrum Disorders.

Allele frequency attached by ClinVar (database versions not stated): gnomAD exomes below 0.00001.
gnomAD v4.1: 2 of 1,614,154 alleles (0.00012%); highest among the groups gnomAD compares: Admixed American, 0.0033%; no homozygotes.

Submission:

Labcorp Genetics (formerly Invitae), Labcorp
Classification: Uncertain significance. Last evaluated: 2023-10-05. Review status: criteria provided, single submitter. Criteria: Invitae Variant Classification Sherloc (09022015). Collection method: clinical testing. Allele origin: germline.
Comment: This sequence change affects codon 519 of the TP63 mRNA. It is a 'silent' change, meaning that it does not change the encoded amino acid sequence of the TP63 protein. This variant is present in population databases (no rsID available, gnomAD 0.003%). This variant has not been reported in the literature in individuals affected with TP63-related conditions. Algorithms developed to predict the effect of sequence changes on RNA splicing suggest that this variant may disrupt the consensus splice site. In summary, the available evidence is currently insufficient to determine the role of this variant in disease. Therefore, it has been classified as a Variant of Uncertain Significance.

NM_003722.5(TP63):c.1557C>T (p.Leu519=)

Gene: TP63 (tumor protein p63; plus strand). Cytogenetic location: 3q28.
Variant type: single nucleotide variant.
Coding change: c.1557C>T on transcript NM_003722.5 (MANE Select); coding-DNA position 1557, C replaced by T.
Protein change: p.Leu519=; no amino-acid change (leucine 519 retained).
Molecular consequence: synonymous variant. On other transcripts: intron variant (4).
Genome position (GRCh38, 1-based): chr3:189,889,389, C>T. VCF-style: chr3-189889389-C-T. GRCh37 (hg19) VCF-style: chr3-189607178-C-T.
Other names: c.1557C>T, p.Leu519= (NM_001114978.2); c.1275C>T, p.Leu425= (NM_001114980.2, NM_001114981.2); c.1020C>T, p.Leu340= (NM_001329146.2); c.1545C>T, p.Leu515= (NM_001329148.2); c.1551C>T, p.Leu517= (NM_001329964.2); c.1507+2838C>T (NM_001329144.2); c.1225+2838C>T (NM_001329145.2); c.1213+2838C>T (NM_001329149.2); and 1 more.
Identifiers: ClinVar variation 2723653 (VCV002723653.2), dbSNP rs1174843062, ClinGen allele CA437416333.